The following is an entry in ClinVar:

ClinVar aggregate classification (germline): Conflicting classifications of pathogenicity. Review status: criteria provided, conflicting classifications (1 of 4 stars). 2 submissions from 2 submitters: Likely pathogenic (1); Uncertain significance (1). Last evaluated 2023-02-03.

Conditions:
HUWE1-related disorder. Also called: HUWE1-related condition.

Submissions (2):

Blueprint Genetics
Classification: Likely pathogenic for HUWE1-related disorders. Last evaluated: 2023-02-03. Review status: criteria provided, single submitter. Criteria: ACMG Guidelines, 2015. Collection method: clinical testing. Allele origin: germline. Affected: yes. Observed: 1 variant allele.

GeneDx
Classification: Uncertain significance. Last evaluated: 2019-04-17. Review status: criteria provided, single submitter. Criteria: GeneDx Variant Classification Process June 2021. Collection method: clinical testing. Allele origin: germline. Affected: yes.
Comment: Not observed in large population cohorts (Lek et al., 2016); In silico analysis, which includes protein predictors and evolutionary conservation, supports a deleterious effect; Has not been previously published as pathogenic or benign to our knowledge

NM_031407.7(HUWE1):c.9550G>A (p.Glu3184Lys)

Gene: HUWE1 (HECT, UBA and WWE domain containing E3 ubiquitin protein ligase 1; minus strand). Cytogenetic location: Xp11.22.
Variant type: single nucleotide variant.
Coding change: c.9550G>A on transcript NM_031407.7 (MANE Select); coding-DNA position 9550, G replaced by A.
Protein change: p.Glu3184Lys; replaces glutamic acid 3184 with lysine.
Molecular consequence: missense variant.
Genome position (GRCh38, 1-based): chrX:53,549,444, C>T on the plus strand (G>A on the coding strand, the complement: HUWE1 is on the minus strand). VCF-style: chrX-53549444-C-T. GRCh37 (hg19) VCF-style: chrX-53576405-C-T.
Other names: short protein forms E3184K.
Identifiers: ClinVar variation 1304945 (VCV001304945.3), dbSNP rs2147252505, ClinGen allele CA413138066.
Genomic context (GRCh38, chrX:53,549,444, plus strand): 5'-GGCTAGTATTGAGCTTTGGCTCATCCACAAAAAGTAGGACCAAGAGACAAGAAAGGGCTT[C>T]GTGGTCCAGAAGGAGCCGTCCTCGGAGGCGGAGGAGAGTATCTACATTACTGCCAGAAGG-3'
Protein context (NP_113584.3, residues 3174-3194): RLRGRLLLDH[Glu3184Lys]ALSCLLVLLF